The following is an entry in ClinVar:

NM_001041.4(SI):c.483+4C>T

Gene: SI (sucrase-isomaltase; minus strand). Cytogenetic location: 3q26.1.
Variant type: single nucleotide variant.
Coding change: c.483+4C>T on transcript NM_001041.4 (MANE Select); 4 bases into the intron after coding-DNA position 483, C replaced by T.
Molecular consequence: intron variant.
Genome position (GRCh38, 1-based): chr3:165,068,718, G>A on the plus strand (C>T on the coding strand, the complement: SI is on the minus strand). VCF-style: chr3-165068718-G-A. GRCh37 (hg19) VCF-style: chr3-164786506-G-A.
Identifiers: ClinVar variation 344072 (VCV000344072.16), dbSNP rs13086543, ClinGen allele CA2691483.

ClinVar aggregate classification (germline): Benign/Likely benign. Review status: criteria provided, multiple submitters, no conflicts (2 of 4 stars). 3 submissions from 3 submitters: Benign (1); Likely benign (2). Last evaluated 2026-02-02.

Conditions:
Sucrase-isomaltase deficiency (CSID). Also called: SI DEFICIENCY; Deficiency of isomaltase; Congenital sucrose isomaltose malabsorption; Sucrose isomaltose enzyme deficiency. Identifiers: Orphanet 35122, MedGen C1283620, MONDO:0009114, OMIM 222900.

Allele frequency attached by ClinVar (database versions not stated): gnomAD exomes 0.00164 and 0.00421; ExAC 0.00507; gnomAD 0.01621 and 0.01717; 1000 Genomes Project 0.01717; TOPMed 0.01813; 1000 Genomes Project 30x 0.01999; ESP Exome Variant Server 0.02022.
gnomAD v4.1: 4,938 of 1,607,202 alleles (0.31%); highest among the groups gnomAD compares: African/African-American, 5.6%; 127 homozygotes.

Submissions (3):

Labcorp Genetics (formerly Invitae), Labcorp
Classification: Benign. Last evaluated: 2026-02-02. Review status: criteria provided, single submitter. Criteria: Invitae Variant Classification Sherloc (09022015). Collection method: clinical testing. Allele origin: germline.

Illumina Laboratory Services, Illumina
Classification: Likely benign for Sucrase-isomaltase deficiency. Last evaluated: 2018-01-12. Review status: criteria provided, single submitter. Criteria: ICSL Variant Classification Criteria 13 December 2019. Collection method: clinical testing. Allele origin: germline.
Comment: This variant was observed in the ICSL laboratory as part of a predisposition screen in an ostensibly healthy population. It had not been previously curated by ICSL or reported in the Human Gene Mutation Database (HGMD: prior to June 1st, 2018), and was therefore a candidate for classification through an automated scoring system. Utilizing variant allele frequency, disease prevalence and penetrance estimates, and inheritance mode, an automated score was calculated to assess if this variant is too frequent to cause the disease. Based on the score and internal cut-off values, a variant classified as likely benign is not then subjected to further curation. The score for this variant resulted in a classification of likely benign for this disease.

Breakthrough Genomics
Classification: Likely benign. Review status: criteria provided, single submitter. Criteria: ACMG Guidelines, 2015. Collection method: not provided. Allele origin: germline. Inheritance: Autosomal recessive inheritance. Affected: yes.